The following is an entry in ClinVar:

NM_004341.5(CAD):c.4364_4365del (p.Cys1455fs)

Gene: CAD (carbamoyl-phosphate synthetase 2, aspartate transcarbamylase, and dihydroorotase; plus strand). Cytogenetic location: 2p23.3.
Variant type: Deletion.
Coding change: c.4364_4365del on transcript NM_004341.5 (MANE Select); coding-DNA positions 4364 to 4365, 2 bases deleted (GT; older notation c.4364_4365delGT).
Protein change: p.Cys1455fs; shifts the reading frame from cysteine 1455.
Molecular consequence: frameshift variant.
Genome position (GRCh38, 1-based): chr2:27,236,798-27,236,799, GT deleted; deleting any 2 consecutive bases within chr2:27,236,797-27,236,799 gives the same sequence; the c. name uses the placement nearest the transcript's 3' end. VCF-style (leftmost placement, unchanged base first): chr2-27236796-CTG-C. GRCh37 (hg19) VCF-style: chr2-27459664-CTG-C.
Other names: c.4175_4176del, p.Cys1392fs (NM_001306079.2); short protein forms C1392fs, C1455fs.
Identifiers: ClinVar variation 2571067 (VCV002571067.27), dbSNP rs2465343084, ClinGen allele CA2580612936.

ClinVar aggregate classification (germline): Likely pathogenic (1 of 4 stars; one submission).

Submission:

CeGaT Center for Human Genetics Tuebingen
Classification: Likely pathogenic. Last evaluated: 2023-12-01. Review status: criteria provided, single submitter. Criteria: CeGaT Center For Human Genetics Tuebingen Variant Classification Criteria Version 2. Collection method: clinical testing. Allele origin: germline. Affected: yes. Observed: 2 variant alleles.
Comment: CAD: PVS1:Strong, PM2